The following is an entry in ClinVar:

NM_133433.4(NIPBL):c.971A>T (p.Lys324Met)

Gene: NIPBL (NIPBL cohesin loading factor; plus strand). Cytogenetic location: 5p13.2.
Variant type: single nucleotide variant.
Coding change: c.971A>T on transcript NM_133433.4 (MANE Select); coding-DNA position 971, A replaced by T.
Protein change: p.Lys324Met; replaces lysine 324 with methionine.
Molecular consequence: missense variant.
Genome position (GRCh38, 1-based): chr5:36,975,878, A>T. VCF-style: chr5-36975878-A-T. GRCh37 (hg19) VCF-style: chr5-36975980-A-T.
Other names: c.971A>T, p.Lys324Met (NM_015384.5); c.971A>T (NM_133433.3); short protein forms K324M.
Identifiers: ClinVar variation 2195853 (VCV002195853.6), dbSNP rs1235334324, ClinGen allele CA359483099.

ClinVar aggregate classification (germline): Conflicting classifications of pathogenicity. Review status: criteria provided, conflicting classifications (1 of 4 stars). 3 submissions from 3 submitters: Uncertain significance (2); Likely benign (1). Last evaluated 2026-03-12.

Conditions:
Inborn genetic diseases. Identifiers: MedGen C0950123, MeSH D030342.
Cornelia de Lange syndrome 1 (CDLS1). Also called: TYPUS DEGENERATIVUS AMSTELODAMENSIS; Brachmann de Lange syndrome; NIPBL-Related Cornelia de Lange Syndrome. Identifiers: Orphanet 199, MedGen C4551851, MONDO:0007387, OMIM 122470.

Allele frequency attached by ClinVar (database versions not stated): TOPMed below 0.00001; gnomAD exomes 0.00001.
gnomAD v4.1: 4 of 1,611,856 alleles (0.00025%); highest among the groups gnomAD compares: Admixed American, 0.0067%; no homozygotes.

Submissions (3):

Women's Health and Genetics/Laboratory Corporation of America, LabCorp
Classification: Uncertain significance. Last evaluated: 2026-03-12. Review status: criteria provided, single submitter. Criteria: LabCorp Variant Classification Summary - May 2015. Collection method: clinical testing. Allele origin: germline.
Comment: Variant summary: NIPBL c.971A>T (p.Lys324Met) results in a non-conservative amino acid change in the encoded protein sequence. Algorithms developed to predict the effect of missense changes on protein structure and function are either unavailable or do not agree on the potential impact of this missense change. The variant allele was found at a frequency of 1.6e-05 in 248898 control chromosomes. The available data on variant occurrences in the general population are insufficient to allow any conclusion about variant significance. To our knowledge, no occurrence of c.971A>T in individuals affected with NIPBL-related conditions and no experimental evidence demonstrating its impact on protein function have been reported. ClinVar contains an entry for this variant (Variation ID: 2195853). Based on the evidence outlined above, the variant was classified as uncertain significance.

Ambry Genetics
Classification: Likely benign for Inborn genetic diseases. Last evaluated: 2024-11-10. Review status: criteria provided, single submitter. Criteria: Ambry Variant Classification Scheme 2023. Collection method: clinical testing. Allele origin: germline.

Labcorp Genetics (formerly Invitae), Labcorp
Classification: Uncertain significance for Cornelia de Lange syndrome 1. Last evaluated: 2024-09-08. Review status: criteria provided, single submitter. Criteria: Invitae Variant Classification Sherloc (09022015). Collection method: clinical testing. Allele origin: germline.
Comment: This sequence change replaces lysine, which is basic and polar, with methionine, which is neutral and non-polar, at codon 324 of the NIPBL protein (p.Lys324Met). This variant is present in population databases (no rsID available, gnomAD 0.009%). This variant has not been reported in the literature in individuals affected with NIPBL-related conditions. ClinVar contains an entry for this variant (Variation ID: 2195853). Invitae Evidence Modeling of protein sequence and biophysical properties (such as structural, functional, and spatial information, amino acid conservation, physicochemical variation, residue mobility, and thermodynamic stability) has been performed for this missense variant. However, the output from this modeling did not meet the statistical confidence thresholds required to predict the impact of this variant on NIPBL protein function. In summary, the available evidence is currently insufficient to determine the role of this variant in disease. Therefore, it has been classified as a Variant of Uncertain Significance.